The following is an entry in ClinVar:

NM_201596.3(CACNB2):c.673A>G (p.Ile225Val)

Gene: CACNB2 (calcium voltage-gated channel auxiliary subunit beta 2; plus strand). Cytogenetic location: 10p12.31.
Variant type: single nucleotide variant.
Coding change: c.673A>G on transcript NM_201596.3 (MANE Select); coding-DNA position 673, A replaced by G.
Protein change: p.Ile225Val; replaces isoleucine 225 with valine.
Molecular consequence: missense variant. On other transcripts: intron variant (5).
Genome position (GRCh38, 1-based): chr10:18,514,238, A>G. VCF-style: chr10-18514238-A-G. GRCh37 (hg19) VCF-style: chr10-18803167-A-G.
Other names: c.508A>G, p.Ile170Val (NM_000724.4); c.529A>G, p.Ile177Val (NM_201570.3); c.589A>G, p.Ile197Val (NM_201571.4); c.511A>G, p.Ile171Val (NM_201590.3); c.587-273A>G (NM_001167945.2); c.587-742A>G (NM_201572.4); c.671-273A>G (NM_201593.3); c.671-742A>G (NM_201597.3); and 1 more; short protein forms I170V, I171V, I177V, I197V, I225V.
Identifiers: ClinVar variation 1025487 (VCV001025487.8), dbSNP rs140542975, ClinGen allele CA5429703.

ClinVar aggregate classification (germline): Conflicting classifications of pathogenicity. Review status: criteria provided, conflicting classifications (1 of 4 stars). 2 submissions from 2 submitters: Uncertain significance (1); Likely benign (1). Last evaluated 2025-09-16.

Conditions:
Cardiovascular phenotype. Identifiers: MedGen CN230736.
Brugada syndrome 4 (BRGDA4). Identifiers: Orphanet 130, MedGen C2678477, MONDO:0012743, OMIM 611876.

Allele frequency attached by ClinVar (database versions not stated): gnomAD exomes 0.00003 and 0.00005; TOPMed 0.00006; ExAC 0.00007; gnomAD 0.00007 and 0.00009; ESP Exome Variant Server 0.00015.
gnomAD v4.1: 52 of 1,613,880 alleles (0.0032%); highest among the groups gnomAD compares: Middle Eastern, 0.033%; 1 homozygote.

Submissions (2):

Labcorp Genetics (formerly Invitae), Labcorp
Classification: Uncertain significance for Brugada syndrome 4. Last evaluated: 2025-09-16. Review status: criteria provided, single submitter. Criteria: Invitae Variant Classification Sherloc (09022015). Collection method: clinical testing. Allele origin: germline.
Comment: This sequence change replaces isoleucine, which is neutral and non-polar, with valine, which is neutral and non-polar, at codon 171 of the CACNB2 protein (p.Ile171Val). This variant is present in population databases (rs140542975, gnomAD 0.02%). This variant has not been reported in the literature in individuals affected with CACNB2-related conditions. ClinVar contains an entry for this variant (Variation ID: 1025487). An algorithm developed to predict the effect of missense changes on protein structure and function outputs the following: PolyPhen-2: "Benign". The valine amino acid residue is found in multiple mammalian species, which suggests that this missense change does not adversely affect protein function. In summary, the available evidence is currently insufficient to determine the role of this variant in disease. Therefore, it has been classified as a Variant of Uncertain Significance.

Ambry Genetics
Classification: Likely benign for Cardiovascular phenotype. Last evaluated: 2021-08-31. Review status: criteria provided, single submitter. Criteria: Ambry Variant Classification Scheme 2023. Collection method: clinical testing. Allele origin: germline.